The following is an entry in ClinVar:

ClinVar aggregate classification (germline): Uncertain significance (1 of 4 stars; one submission).

Allele frequency attached by ClinVar (database versions not stated): gnomAD exomes below 0.00001; TOPMed below 0.00001.

Submission:

Ambry Genetics
Classification: Uncertain significance. Last evaluated: 2022-10-14. Review status: criteria provided, single submitter. Criteria: Ambry Variant Classification Scheme 2023. Collection method: clinical testing. Allele origin: germline.
Comment: The p.G269E variant (also known as c.806G>A), located in coding exon 1 of the EGLN2 gene, results from a G to A substitution at nucleotide position 806. The glycine at codon 269 is replaced by glutamic acid, an amino acid with similar properties. This amino acid position is conserved. In addition, this alteration is predicted to be deleterious by in silico analysis. Since supporting evidence is limited at this time, the clinical significance of this alteration remains unclear.

NM_080732.4(EGLN2):c.806G>A (p.Gly269Glu)

Genes: EGLN2 (egl-9 family hypoxia inducible factor 2; plus strand), RAB4B-EGLN2 (RAB4B-EGLN2 readthrough (NMD candidate); plus strand). Cytogenetic location: 19q13.2.
Variant type: single nucleotide variant.
Coding change: c.806G>A on transcript NM_080732.4 (MANE Select); coding-DNA position 806, G replaced by A.
Protein change: p.Gly269Glu; replaces glycine 269 with glutamic acid.
Molecular consequence: missense variant. On other transcripts: non-coding transcript variant (1).
Genome position (GRCh38, 1-based): chr19:40,801,378, G>A. VCF-style: chr19-40801378-G-A. GRCh37 (hg19) VCF-style: chr19-41307283-G-A.
Other names: c.806G>A, p.Gly269Glu (NM_053046.4); short protein forms G269E.
Identifiers: ClinVar variation 1761870 (VCV001761870.2), dbSNP rs2083256937, ClinGen allele CA405956013.